The following is an entry in ClinVar:

ClinVar aggregate classification (germline): Uncertain significance (1 of 4 stars; one submission).

Allele frequency attached by ClinVar (database versions not stated): gnomAD 0.00001; gnomAD exomes 0.00001.
gnomAD v4.1: 9 of 1,605,292 alleles (0.00056%); highest among the groups gnomAD compares: African/African-American, 0.0013%; no homozygotes.

Submission:

Labcorp Genetics (formerly Invitae), Labcorp
Classification: Uncertain significance. Last evaluated: 2021-01-15. Review status: criteria provided, single submitter. Criteria: Invitae Variant Classification Sherloc (09022015). Collection method: clinical testing. Allele origin: germline.
Comment: This sequence change replaces isoleucine with valine at codon 69 of the AP2S1 protein (p.Ile69Val). The isoleucine residue is highly conserved and there is a small physicochemical difference between isoleucine and valine. This variant is not present in population databases (ExAC no frequency). This variant has not been reported in the literature in individuals with AP2S1-related conditions. Algorithms developed to predict the effect of missense changes on protein structure and function (SIFT, PolyPhen-2, Align-GVGD) all suggest that this variant is likely to be tolerated, but these predictions have not been confirmed by published functional studies and their clinical significance is uncertain. In summary, the available evidence is currently insufficient to determine the role of this variant in disease. Therefore, it has been classified as a Variant of Uncertain Significance.

NM_004069.6(AP2S1):c.205A>G (p.Ile69Val)

Gene: AP2S1 (adaptor related protein complex 2 subunit sigma 1; minus strand). Cytogenetic location: 19q13.32.
Variant type: single nucleotide variant.
Coding change: c.205A>G on transcript NM_004069.6 (MANE Select); coding-DNA position 205, A replaced by G.
Protein change: p.Ile69Val; replaces isoleucine 69 with valine.
Molecular consequence: missense variant. On other transcripts: intron variant (1).
Genome position (GRCh38, 1-based): chr19:46,839,527, T>C on the plus strand (A>G on the coding strand, the complement: AP2S1 is on the minus strand). VCF-style: chr19-46839527-T-C. GRCh37 (hg19) VCF-style: chr19-47342784-T-C.
Other names: c.253A>G, p.Ile85Val (NM_001301076.3); c.247A>G, p.Ile83Val (NM_001301078.3); c.211A>G, p.Ile71Val (NM_001301081.3); c.154-728A>G (NM_021575.5); short protein forms I69V, I71V, I83V, I85V.
Identifiers: ClinVar variation 1438141 (VCV001438141.8), dbSNP rs2055478520, ClinGen allele CA406509082.